The following is an entry in ClinVar:

ClinVar aggregate classification (germline): Uncertain significance (1 of 4 stars; one submission).

Conditions:
Hereditary breast ovarian cancer syndrome. Also called: BRCA1- and BRCA2-Associated Hereditary Breast and Ovarian Cancer; Hereditary breast and ovarian cancer; Hereditary breast and/or ovarian cancer syndrome; Hereditary breast and ovarian cancer syndrome; Hereditary breast and ovarian cancer syndrome (HBOC); Breast and ovarian cancer. Identifiers: Orphanet 145, MedGen C0677776, MeSH D061325, MONDO:0003582. Disease mechanism: loss of function.

Submission:

Labcorp Genetics (formerly Invitae), Labcorp
Classification: Uncertain significance for Hereditary breast ovarian cancer syndrome. Last evaluated: 2023-08-16. Review status: criteria provided, single submitter. Criteria: Invitae Variant Classification Sherloc (09022015). Collection method: clinical testing. Allele origin: germline.
Comment: This sequence change replaces tyrosine, which is neutral and polar, with histidine, which is basic and polar, at codon 3092 of the BRCA2 protein (p.Tyr3092His). In summary, the available evidence is currently insufficient to determine the role of this variant in disease. Therefore, it has been classified as a Variant of Uncertain Significance. Advanced modeling of protein sequence and biophysical properties (such as structural, functional, and spatial information, amino acid conservation, physicochemical variation, residue mobility, and thermodynamic stability) performed at Invitae indicates that this missense variant is not expected to disrupt BRCA2 protein function. ClinVar contains an entry for this variant (Variation ID: 573338). This variant has not been reported in the literature in individuals affected with BRCA2-related conditions. This variant is not present in population databases (gnomAD no frequency).

NM_000059.4(BRCA2):c.9274T>C (p.Tyr3092His)

Gene: BRCA2 (BRCA2 DNA repair associated; plus strand). Cytogenetic location: 13q13.1.
Variant type: single nucleotide variant.
Coding change: c.9274T>C on transcript NM_000059.4 (MANE Select); coding-DNA position 9274, T replaced by C.
Protein change: p.Tyr3092His; replaces tyrosine 3092 with histidine.
Molecular consequence: missense variant.
Genome position (GRCh38, 1-based): chr13:32,394,706, T>C. VCF-style: chr13-32394706-T-C. GRCh37 (hg19) VCF-style: chr13-32968843-T-C.
Other names: short protein forms Y3092H.
Identifiers: ClinVar variation 573338 (VCV000573338.9), dbSNP rs1566258803, ClinGen allele CA387760772.
Genomic context (GRCh38, chr13:32,394,706, plus strand): 5'-AACACATCTATAATAACATTCTTTTCTTTTTTTTCCATTCTAGGACTTGCCCCTTTCGTC[T>C]ATTTGTCAGACGAATGTTACAATTTACTGGCAATAAAGTTTTGGATAGACCTTAATGAGG-3'
Protein context (NP_000050.3, residues 3082-3102): VKKTGLAPFV[Tyr3092His]LSDECYNLLA